The following is an entry in ClinVar:

NC_000009.12:g.35657971A>G

Gene: RMRP (RNA component of mitochondrial RNA processing endoribonuclease; minus strand). Cytogenetic location: 9p13.3.
Variant type: single nucleotide variant.
Genome position: GRCh38 VCF-style: chr9-35657971-A-G. GRCh37 (hg19) VCF-style: chr9-35657968-A-G.
Identifiers: ClinVar variation 1384697 (VCV001384697.3), dbSNP rs1012176091, ClinGen allele CA464450962.

ClinVar aggregate classification (germline): Uncertain significance (1 of 4 stars; one submission).

Conditions:
Anauxetic dysplasia. Identifiers: Orphanet 93347, MedGen C1846796, MONDO:0011773.

Allele frequency attached by ClinVar (database versions not stated): gnomAD exomes below 0.00001; TOPMed 0.00004.
gnomAD v4.1: 1 of 700,470 alleles (0.00014%); highest among the groups gnomAD compares: Non-Finnish European, 0.00026%; no homozygotes.

Submission:

Labcorp Genetics (formerly Invitae), Labcorp
Classification: Uncertain significance for Anauxetic dysplasia. Last evaluated: 2022-08-19. Review status: criteria provided, single submitter. Criteria: Invitae Variant Classification Sherloc (09022015). Collection method: clinical testing. Allele origin: germline.
Comment: This variant occurs in the RMRP gene, which encodes an RNA molecule that does not result in a protein product. This variant is not present in population databases (gnomAD no frequency). This variant has not been reported in the literature in individuals affected with RMRP-related conditions. ClinVar contains an entry for this variant (Variation ID: 1384697). Experimental studies and prediction algorithms are not available or were not evaluated, and the functional significance of this variant is currently unknown. In summary, the available evidence is currently insufficient to determine the role of this variant in disease. Therefore, it has been classified as a Variant of Uncertain Significance.